The following is an entry in ClinVar:

ClinVar aggregate classification (germline): Conflicting classifications of pathogenicity. Review status: criteria provided, conflicting classifications (1 of 4 stars). 3 submissions from 3 submitters: Uncertain significance (1); Likely benign (2). Last evaluated 2026-01-01.

Conditions:
NADK2-related disorder. Also called: NADK2-related condition.
Progressive encephalopathy with leukodystrophy due to DECR deficiency. Identifiers: Orphanet 431361, MedGen C1857252, MONDO:0014464, OMIM 616034.

Allele frequency attached by ClinVar (database versions not stated): 1000 Genomes Project 30x 0.00031; 1000 Genomes Project 0.00040; gnomAD 0.00088 and 0.00091; TOPMed 0.00104; ESP Exome Variant Server 0.00110; gnomAD exomes 0.00115 and 0.00137; ExAC 0.00297.
gnomAD v4.1: 2,049 of 1,558,524 alleles (0.13%); highest among the groups gnomAD compares: Non-Finnish European, 0.16%; 2 homozygotes.

Submissions (3):

Labcorp Genetics (formerly Invitae), Labcorp
Classification: Likely benign for Progressive encephalopathy with leukodystrophy due to DECR deficiency. Last evaluated: 2026-01-01. Review status: criteria provided, single submitter. Criteria: Invitae Variant Classification Sherloc (09022015). Collection method: clinical testing. Allele origin: germline.

PreventionGenetics, part of Exact Sciences
Classification: Likely benign for NADK2-related condition. Last evaluated: 2025-02-14. Review status: criteria provided, single submitter. Criteria: ACMG Guidelines, 2015. Collection method: clinical testing. Allele origin: germline.
Comment: This variant is classified as likely benign based on ACMG/AMP sequence variant interpretation guidelines (Richards et al. 2015 PMID: 25741868, with internal and published modifications).

CeGaT Center for Human Genetics Tuebingen
Classification: Uncertain significance. Last evaluated: 2017-11-01. Review status: criteria provided, single submitter. Criteria: CeGaT Center For Human Genetics Tuebingen Variant Classification Criteria Version 2. Collection method: clinical testing. Allele origin: germline. Affected: yes. Observed: 1 variant allele.

NM_001085411.3(NADK2):c.349A>G (p.Ile117Val)

Gene: NADK2 (NAD kinase 2, mitochondrial; minus strand). Cytogenetic location: 5p13.2.
Variant type: single nucleotide variant.
Coding change: c.349A>G on transcript NM_001085411.3 (MANE Select); coding-DNA position 349, A replaced by G.
Protein change: p.Ile117Val; replaces isoleucine 117 with valine.
Molecular consequence: missense variant. On other transcripts: 5 prime UTR variant (3).
Genome position (GRCh38, 1-based): chr5:36,227,517, T>C on the plus strand (A>G on the coding strand, the complement: NADK2 is on the minus strand). VCF-style: chr5-36227517-T-C. GRCh37 (hg19) VCF-style: chr5-36227619-T-C.
Other names: c.-141A>G (NM_001287340.2, NM_001287341.2, NM_153013.5); short protein forms I117V.
Identifiers: ClinVar variation 715274 (VCV000715274.52), dbSNP rs190440332, ClinGen allele CA3234765.
Genomic context (GRCh38, chr5:36,227,517, plus strand): 5'-ACCCAATCCCATAGACTTACCGTAAACTATCTATAATATGTTCTACATTTTTGGTGTGAA[T>C]ATGATGTCGTTCAAGAAGTCCACTGTAACTAGAGCCTTTCAATGCAAGCTATATCAAAAC-3'
Protein context (NP_001078880.1, residues 107-127): SYSGLLERHH[Ile117Val]HTKNVEHIID